The following is an entry in ClinVar:

NM_002454.3(MTRR):c.773T>C (p.Leu258Pro)

Gene: MTRR (5-methyltetrahydrofolate-homocysteine methyltransferase reductase; plus strand). Cytogenetic location: 5p15.31.
Variant type: single nucleotide variant.
Coding change: c.773T>C on transcript NM_002454.3 (MANE Select); coding-DNA position 773, T replaced by C.
Protein change: p.Leu258Pro; replaces leucine 258 with proline.
Molecular consequence: missense variant. On other transcripts: non-coding transcript variant (14).
Genome position (GRCh38, 1-based): chr5:7,878,315, T>C. VCF-style: chr5-7878315-T-C. GRCh37 (hg19) VCF-style: chr5-7878428-T-C.
Other names: c.773T>C, p.Leu258Pro (NM_001364440.2, NM_001364441.2, NM_001364442.2 and 1 more transcripts); short protein forms L258P.
Identifiers: ClinVar variation 3711931 (VCV003711931.2).

ClinVar aggregate classification (germline): Uncertain significance (1 of 4 stars; one submission).

Conditions:
Methylcobalamin deficiency type cblE (HMAE). Also called: HOMOCYSTINURIA-MEGALOBLASTIC ANEMIA, cblE TYPE; VITAMIN B12-RESPONSIVE HOMOCYSTINURIA, cblE TYPE; HOMOCYSTINURIA-MEGALOBLASTIC ANEMIA, cblE COMPLEMENTATION TYPE. Identifiers: Orphanet 2169, Orphanet 622, MedGen C1856057, MONDO:0009354, OMIM 236270.

gnomAD v4.1: 65 of 1,614,086 alleles (0.004%); highest among the groups gnomAD compares: Non-Finnish European, 0.005%; no homozygotes.

Submission:

Labcorp Genetics (formerly Invitae), Labcorp
Classification: Uncertain significance for Methylcobalamin deficiency type cblE. Last evaluated: 2024-11-07. Review status: criteria provided, single submitter. Criteria: Invitae Variant Classification Sherloc (09022015). Collection method: clinical testing. Allele origin: germline.
Comment: This sequence change replaces leucine, which is neutral and non-polar, with proline, which is neutral and non-polar, at codon 258 of the MTRR protein (p.Leu258Pro). This variant is present in population databases (rs369113367, gnomAD 0.005%). This variant has not been reported in the literature in individuals affected with MTRR-related conditions. Invitae Evidence Modeling of protein sequence and biophysical properties (such as structural, functional, and spatial information, amino acid conservation, physicochemical variation, residue mobility, and thermodynamic stability) indicates that this missense variant is not expected to disrupt MTRR protein function with a negative predictive value of 80%. In summary, the available evidence is currently insufficient to determine the role of this variant in disease. Therefore, it has been classified as a Variant of Uncertain Significance.